The following is an entry in ClinVar:

ClinVar aggregate classification (germline): Uncertain significance (1 of 4 stars; one submission).

Conditions:
Alstrom syndrome (ALMS). Identifiers: Orphanet 64, MedGen C0268425, MONDO:0008763, OMIM 203800.

Submission:

Labcorp Genetics (formerly Invitae), Labcorp
Classification: Uncertain significance for Alstrom syndrome. Last evaluated: 2022-09-01. Review status: criteria provided, single submitter. Criteria: Invitae Variant Classification Sherloc (09022015). Collection method: clinical testing. Allele origin: germline.
Comment: In summary, the available evidence is currently insufficient to determine the role of this variant in disease. Therefore, it has been classified as a Variant of Uncertain Significance. Experimental studies and prediction algorithms are not available or were not evaluated, and the functional significance of this variant is currently unknown. ClinVar contains an entry for this variant (Variation ID: 1486003). This variant has not been reported in the literature in individuals affected with ALMS1-related conditions. This variant is not present in population databases (gnomAD no frequency). This sequence change replaces asparagine, which is neutral and polar, with threonine, which is neutral and polar, at codon 3472 of the ALMS1 protein (p.Asn3472Thr).

NM_001378454.1(ALMS1):c.10412A>C (p.Asn3471Thr)

Gene: ALMS1 (ALMS1 centrosome and basal body associated protein; plus strand). Cytogenetic location: 2p13.1.
Variant type: single nucleotide variant.
Coding change: c.10412A>C on transcript NM_001378454.1 (MANE Select); coding-DNA position 10412, A replaced by C.
Protein change: p.Asn3471Thr; replaces asparagine 3471 with threonine.
Molecular consequence: missense variant.
Genome position (GRCh38, 1-based): chr2:73,572,289, A>C. VCF-style: chr2-73572289-A-C. GRCh37 (hg19) VCF-style: chr2-73799416-A-C.
Other names: c.10415A>C, p.Asn3472Thr (NM_015120.4); short protein forms N3471T, N3472T.
Identifiers: ClinVar variation 1486003 (VCV001486003.6), dbSNP rs2104103500, ClinGen allele CA347282705.